The following is an entry in ClinVar:

ClinVar aggregate classification (germline): Uncertain significance (1 of 4 stars; one submission).

Conditions:
Dyskeratosis congenita, autosomal dominant 1 (DKCA1). Also called: Dyskeratosis congenita Scoggins type. Identifiers: Orphanet 1775, MedGen C4551974, MONDO:0007485, OMIM 127550. Inheritance: Variable.

Allele frequency attached by ClinVar (database versions not stated): gnomAD 0.00001; ExAC 0.00002; 1000 Genomes Project 30x 0.00016.

Submission:

Labcorp Genetics (formerly Invitae), Labcorp
Classification: Uncertain significance for Dyskeratosis congenita, autosomal dominant 1. Last evaluated: 2023-08-31. Review status: criteria provided, single submitter. Criteria: Invitae Variant Classification Sherloc (09022015). Collection method: clinical testing. Allele origin: germline.
Comment: This variant is located within the conserved regions 4 and 5 (CR4-CR5) domain of the TERC RNA component, which is required for telomerase activity (PMID: 15082312, 21844345). This variant has not been reported in the literature in individuals affected with TERC-related conditions. This variant occurs in the TERC gene, which encodes an RNA molecule that does not result in a protein product. This variant is not present in population databases (gnomAD no frequency). Experimental studies and prediction algorithms are not available or were not evaluated, and the functional significance of this variant is currently unknown. In summary, the available evidence is currently insufficient to determine the role of this variant in disease. Therefore, it has been classified as a Variant of Uncertain Significance.

Literature cited by the submitters: PubMed 15082312; PubMed 21844345.

NC_000003.12:g.169764762G>A

Genes: TERC (telomerase RNA component; minus strand), LOC110806306 (telomerase RNA component (TERC) promoter; plus strand). Cytogenetic location: 3q26.2.
Variant type: single nucleotide variant.
Genome position: GRCh38 VCF-style: chr3-169764762-G-A. GRCh37 (hg19) VCF-style: chr3-169482550-G-A.
Identifiers: ClinVar variation 2756853 (VCV002756853.3), dbSNP rs768781410, ClinGen allele CA2696801.